The following is an entry in ClinVar:

ClinVar aggregate classification (germline): Uncertain significance (1 of 4 stars; one submission).

Submission:

GeneDx
Classification: Uncertain significance. Last evaluated: 2023-08-22. Review status: criteria provided, single submitter. Criteria: GeneDx Variant Classification Process June 2021. Collection method: clinical testing. Allele origin: germline.
Comment: Not observed at significant frequency in large population cohorts (gnomAD); In silico analysis supports that this missense variant does not alter protein structure/function; Has not been previously published as pathogenic or benign to our knowledge

NM_006593.4(TBR1):c.1048A>C (p.Thr350Pro)

Gene: TBR1 (T-box brain transcription factor 1; plus strand). Cytogenetic location: 2q24.2.
Variant type: single nucleotide variant.
Coding change: c.1048A>C on transcript NM_006593.4 (MANE Select); coding-DNA position 1048, A replaced by C.
Protein change: p.Thr350Pro; replaces threonine 350 with proline.
Molecular consequence: missense variant.
Genome position (GRCh38, 1-based): chr2:161,418,970, A>C. VCF-style: chr2-161418970-A-C. GRCh37 (hg19) VCF-style: chr2-162275481-A-C.
Other names: short protein forms T350P.
Identifiers: ClinVar variation 1698197 (VCV001698197.3), dbSNP rs138102755, ClinGen allele CA349212838.